The following is an entry in ClinVar:

NM_006231.4(POLE):c.5986T>G (p.Phe1996Val)

Gene: POLE (DNA polymerase epsilon, catalytic subunit; minus strand). Cytogenetic location: 12q24.33.
Variant type: single nucleotide variant.
Coding change: c.5986T>G on transcript NM_006231.4 (MANE Select); coding-DNA position 5986, T replaced by G.
Protein change: p.Phe1996Val; replaces phenylalanine 1996 with valine.
Molecular consequence: missense variant.
Genome position (GRCh38, 1-based): chr12:132,634,204, A>C on the plus strand (T>G on the coding strand, the complement: POLE is on the minus strand). VCF-style: chr12-132634204-A-C. GRCh37 (hg19) VCF-style: chr12-133210790-A-C.
Other names: short protein forms F1996V.
Identifiers: ClinVar variation 4844256 (VCV004844256.1).

ClinVar aggregate classification (germline): Uncertain significance (1 of 4 stars; one submission).

Conditions:
Hereditary cancer-predisposing syndrome. Also called: Neoplastic Syndromes, Hereditary; Tumor predisposition; Hereditary Cancer Syndrome; Hereditary neoplastic syndrome. Identifiers: Orphanet 140162, MedGen C0027672, MeSH D009386, MONDO:0015356.

Submission:

Ambry Genetics
Classification: Uncertain significance for Hereditary cancer-predisposing syndrome. Last evaluated: 2026-01-22. Review status: criteria provided, single submitter. Criteria: Ambry Variant Classification Scheme 2023. Collection method: clinical testing. Allele origin: germline.
Comment: The p.F1996V variant (also known as c.5986T>G), located in coding exon 43 of the POLE gene, results from a T to G substitution at nucleotide position 5986. The phenylalanine at codon 1996 is replaced by valine, an amino acid with highly similar properties. This amino acid position is conserved. In addition, this alteration is predicted to be deleterious by in silico analysis. Based on the available evidence, the clinical significance of this variant remains unclear.